The following is an entry in ClinVar:

NM_001365536.1(SCN9A):c.757G>A (p.Val253Met)

Gene: SCN9A (sodium voltage-gated channel alpha subunit 9; minus strand). Cytogenetic location: 2q24.3.
Variant type: single nucleotide variant.
Coding change: c.757G>A on transcript NM_001365536.1 (MANE Select); coding-DNA position 757, G replaced by A.
Protein change: p.Val253Met; replaces valine 253 with methionine.
Molecular consequence: missense variant.
Genome position (GRCh38, 1-based): chr2:166,303,234, C>T on the plus strand (G>A on the coding strand, the complement: SCN9A is on the minus strand). VCF-style: chr2-166303234-C-T. GRCh37 (hg19) VCF-style: chr2-167159744-C-T.
Other names: c.757G>A, p.Val253Met (NM_002977.4); short protein forms V253M.
Identifiers: ClinVar variation 2950147 (VCV002950147.3), dbSNP rs2468118147, ClinGen allele CA349092959.
Genomic context (GRCh38, chr2:166,303,234, plus strand): 5'-GCTTCAGGTTTCCCATGAACAGCTGTAGTCCAATTAGTGCAAACACACTCAGACAGAACA[C>T]AGTCAGGATCATGACATCAGAAAGCTTCTTCACTGACTGGATCAAAGCCCCTACAATTGT-3'
Protein context (NP_001352465.1, residues 243-263): KKLSDVMILT[Val253Met]FCLSVFALIG

ClinVar aggregate classification (germline): Uncertain significance (1 of 4 stars; one submission).

Conditions:
Neuropathy, hereditary sensory and autonomic, type 2A (HSAN2A). Also called: ACROOSTEOLYSIS, GIACCAI TYPE; ACROOSTEOLYSIS, NEUROGENIC; MORVAN DISEASE; NEUROPATHY, CONGENITAL SENSORY; NEUROPATHY, HEREDITARY SENSORY RADICULAR, AUTOSOMAL RECESSIVE; NEUROPATHY, HEREDITARY SENSORY, TYPE IIA. Identifiers: Orphanet 970, MedGen C2752089, MONDO:0024309, OMIM 201300.
Generalized epilepsy with febrile seizures plus, type 7 (GEFSP7). Also called: GEFS+, TYPE 7. Identifiers: Orphanet 36387, MedGen C2751778, MONDO:0013470, OMIM 613863.

Allele frequency attached by ClinVar (database versions not stated): gnomAD exomes below 0.00001.
gnomAD v4.1: 3 of 1,613,684 alleles (0.00019%); highest among the groups gnomAD compares: East Asian, 0.0045%; no homozygotes.

Submission:

Labcorp Genetics (formerly Invitae), Labcorp
Classification: Uncertain significance for Neuropathy, hereditary sensory and autonomic, type 2A; Generalized epilepsy with febrile seizures plus, type 7. Last evaluated: 2023-10-22. Review status: criteria provided, single submitter. Criteria: Invitae Variant Classification Sherloc (09022015). Collection method: clinical testing. Allele origin: germline.
Comment: This sequence change replaces valine, which is neutral and non-polar, with methionine, which is neutral and non-polar, at codon 253 of the SCN9A protein (p.Val253Met). This variant is not present in population databases (gnomAD no frequency). This variant has not been reported in the literature in individuals affected with SCN9A-related conditions. Advanced modeling of protein sequence and biophysical properties (such as structural, functional, and spatial information, amino acid conservation, physicochemical variation, residue mobility, and thermodynamic stability) performed at Invitae indicates that this missense variant is not expected to disrupt SCN9A protein function. In summary, the available evidence is currently insufficient to determine the role of this variant in disease. Therefore, it has been classified as a Variant of Uncertain Significance.